The following is an entry in ClinVar:

NM_001558.4(IL10RA):c.1139G>A (p.Ser380Asn)

Gene: IL10RA (interleukin 10 receptor subunit alpha; plus strand). Cytogenetic location: 11q23.3.
Variant type: single nucleotide variant.
Coding change: c.1139G>A on transcript NM_001558.4 (MANE Select); coding-DNA position 1139, G replaced by A.
Protein change: p.Ser380Asn; replaces serine 380 with asparagine.
Molecular consequence: missense variant. On other transcripts: non-coding transcript variant (1).
Genome position (GRCh38, 1-based): chr11:117,999,043, G>A. VCF-style: chr11-117999043-G-A. GRCh37 (hg19) VCF-style: chr11-117869758-G-A.
Other names: short protein forms S380N.
Identifiers: ClinVar variation 1465241 (VCV001465241.8), dbSNP rs2058074890, ClinGen allele CA382779867.

ClinVar aggregate classification (germline): Uncertain significance (1 of 4 stars; one submission).

Conditions:
Inflammatory bowel disease 28. Also called: Inflammatory bowel disease 28, early onset, autosomal recessive. Identifiers: Orphanet 238569, MedGen C2751053, MONDO:0013153, OMIM 613148.

Allele frequency attached by ClinVar (database versions not stated): TOPMed below 0.00001; gnomAD 0.00001.
gnomAD v4.1: 1 of 1,612,942 alleles (0.000062%); highest among the groups gnomAD compares: African/African-American, 0.0013%; no homozygotes.

Submission:

Labcorp Genetics (formerly Invitae), Labcorp
Classification: Uncertain significance for Inflammatory bowel disease 28. Last evaluated: 2024-02-17. Review status: criteria provided, single submitter. Criteria: Invitae Variant Classification Sherloc (09022015). Collection method: clinical testing. Allele origin: germline.
Comment: This sequence change replaces serine, which is neutral and polar, with asparagine, which is neutral and polar, at codon 380 of the IL10RA protein (p.Ser380Asn). This variant is not present in population databases (gnomAD no frequency). This variant has not been reported in the literature in individuals affected with IL10RA-related conditions. ClinVar contains an entry for this variant (Variation ID: 1465241). Advanced modeling of protein sequence and biophysical properties (such as structural, functional, and spatial information, amino acid conservation, physicochemical variation, residue mobility, and thermodynamic stability) performed at Invitae indicates that this missense variant is not expected to disrupt IL10RA protein function with a negative predictive value of 80%. In summary, the available evidence is currently insufficient to determine the role of this variant in disease. Therefore, it has been classified as a Variant of Uncertain Significance.